The following is an entry in ClinVar:

ClinVar aggregate classification (germline): Pathogenic (1 of 4 stars; one submission).

Conditions:
Marfan syndrome (MFS). Also called: MARFAN SYNDROME, TYPE I; Marfan syndrome type 1; Marfan's syndrome; Marfan syndrome, classic; FBN1-Related Marfan Syndrome. Identifiers: Orphanet 284963, Orphanet 558, MedGen C0024796, MONDO:0007947, OMIM 154700.
Familial thoracic aortic aneurysm and aortic dissection (TAAD). Also called: Thoracic aortic aneurysms and dissections. Identifiers: Orphanet 91387, MedGen C4707243, MONDO:0019625.

Submission:

Labcorp Genetics (formerly Invitae), Labcorp
Classification: Pathogenic for Marfan syndrome; Familial thoracic aortic aneurysm and aortic dissection. Last evaluated: 2023-06-01. Review status: criteria provided, single submitter. Criteria: Invitae Variant Classification Sherloc (09022015). Collection method: clinical testing. Allele origin: germline.
Comment: For these reasons, this variant has been classified as Pathogenic. This variant has not been reported in the literature in individuals affected with FBN1-related conditions. This variant is not present in population databases (gnomAD no frequency). This sequence change creates a premature translational stop signal (p.His2426Leufs*2) in the FBN1 gene. It is expected to result in an absent or disrupted protein product. Loss-of-function variants in FBN1 are known to be pathogenic (PMID: 17657824, 19293843).

Literature cited by the submitters: PubMed 17657824; PubMed 19293843.

NM_000138.5(FBN1):c.7276_7283del (p.His2426fs)

Gene: FBN1 (fibrillin 1; minus strand). Cytogenetic location: 15q21.1.
Variant type: Deletion.
Coding change: c.7276_7283del on transcript NM_000138.5 (MANE Select); coding-DNA positions 7276 to 7283, 8 bases deleted (CATTGCAT; older notation c.7276_7283delCATTGCAT).
Protein change: p.His2426fs; shifts the reading frame from histidine 2426.
Molecular consequence: frameshift variant.
Genome position (GRCh38, 1-based): chr15:48,425,786-48,425,793, ATGCAATG deleted on the plus strand (CATTGCAT on the coding strand, the reverse complement: FBN1 is on the minus strand); deleting any 8 consecutive bases within chr15:48,425,786-48,425,795 gives the same sequence; the c. name uses the placement nearest the transcript's 3' end. VCF-style (leftmost placement, unchanged base first): chr15-48425785-AATGCAATG-A. GRCh37 (hg19) VCF-style: chr15-48717982-AATGCAATG-A.
Other names: c.7276_7283del, p.His2426fs (NM_001406716.1); short protein forms H2426fs.
Identifiers: ClinVar variation 2947353 (VCV002947353.3), dbSNP rs2505408007, ClinGen allele CA2740096555.